The following is an entry in ClinVar:

ClinVar aggregate classification (germline): Uncertain significance (1 of 4 stars; one submission).

Conditions:
Myofibrillar myopathy 5. Also called: Filaminopathy (type); FILAMINOPATHY, AUTOSOMAL DOMINANT. Identifiers: Orphanet 171445, MedGen C1836050, MONDO:0012289, OMIM 609524.
Distal myopathy with posterior leg and anterior hand involvement. Also called: WILLIAMS DISTAL MYOPATHY. Identifiers: Orphanet 63273, MedGen C3279722, MONDO:0013550, OMIM 614065.
Hypertrophic cardiomyopathy 26. Also called: Cardiomyopathy, familial hypertrophic, 26. Identifiers: Orphanet 75249, MedGen C4310749, MONDO:0014883, OMIM 617047.

Submission:

Labcorp Genetics (formerly Invitae), Labcorp
Classification: Uncertain significance for Distal myopathy with posterior leg and anterior hand involvement; Myofibrillar myopathy 5; Hypertrophic cardiomyopathy 26. Last evaluated: 2024-02-13. Review status: criteria provided, single submitter. Criteria: Invitae Variant Classification Sherloc (09022015). Collection method: clinical testing. Allele origin: germline.
Comment: This sequence change replaces lysine, which is basic and polar, with threonine, which is neutral and polar, at codon 172 of the FLNC protein (p.Lys172Thr). This variant is not present in population databases (gnomAD no frequency). This variant has not been reported in the literature in individuals affected with FLNC-related conditions. Advanced modeling of protein sequence and biophysical properties (such as structural, functional, and spatial information, amino acid conservation, physicochemical variation, residue mobility, and thermodynamic stability) has been performed at Invitae for this missense variant, however the output from this modeling did not meet the statistical confidence thresholds required to predict the impact of this variant on FLNC protein function. In summary, the available evidence is currently insufficient to determine the role of this variant in disease. Therefore, it has been classified as a Variant of Uncertain Significance.

NM_001458.5(FLNC):c.515A>C (p.Lys172Thr)

Gene: FLNC (filamin C; plus strand). Cytogenetic location: 7q32.1.
Variant type: single nucleotide variant.
Coding change: c.515A>C on transcript NM_001458.5 (MANE Select); coding-DNA position 515, A replaced by C.
Protein change: p.Lys172Thr; replaces lysine 172 with threonine.
Molecular consequence: missense variant.
Genome position (GRCh38, 1-based): chr7:128,835,488, A>C. VCF-style: chr7-128835488-A-C. GRCh37 (hg19) VCF-style: chr7-128475542-A-C.
Other names: c.515A>C, p.Lys172Thr (NM_001127487.2); short protein forms K172T.
Identifiers: ClinVar variation 3754608 (VCV003754608.2).